The following is an entry in ClinVar:

ClinVar aggregate classification (germline): Uncertain significance (1 of 4 stars; one submission).

Allele frequency attached by ClinVar (database versions not stated): TOPMed below 0.00001; gnomAD 0.00001; gnomAD exomes 0.00001 and 0.00004; 1000 Genomes Project 0.00020; 1000 Genomes Project 30x 0.00031.
gnomAD v4.1: 51 of 1,613,996 alleles (0.0032%); highest among the groups gnomAD compares: Non-Finnish European, 0.0042%; no homozygotes.

Submission:

Labcorp Genetics (formerly Invitae), Labcorp
Classification: Uncertain significance. Last evaluated: 2025-10-06. Review status: criteria provided, single submitter. Criteria: Invitae Variant Classification Sherloc (09022015). Collection method: clinical testing. Allele origin: germline.
Comment: This sequence change replaces valine, which is neutral and non-polar, with isoleucine, which is neutral and non-polar, at codon 352 of the DHX32 protein (p.Val352Ile). This variant is present in population databases (rs537558196, gnomAD 0.003%). This variant has not been reported in the literature in individuals affected with DHX32-related conditions. ClinVar contains an entry for this variant (Variation ID: 1460491). An algorithm developed to predict the effect of missense changes on protein structure and function outputs the following: PolyPhen-2: "Benign". The isoleucine amino acid residue is found in multiple mammalian species, which suggests that this missense change does not adversely affect protein function. In summary, the available evidence is currently insufficient to determine the role of this variant in disease. Therefore, it has been classified as a Variant of Uncertain Significance.

NM_018180.3(DHX32):c.1054G>A (p.Val352Ile)

Gene: DHX32 (DEAH-box helicase 32 (putative); minus strand). Cytogenetic location: 10q26.2.
Variant type: single nucleotide variant.
Coding change: c.1054G>A on transcript NM_018180.3 (MANE Select); coding-DNA position 1054, G replaced by A.
Protein change: p.Val352Ile; replaces valine 352 with isoleucine.
Molecular consequence: missense variant.
Genome position (GRCh38, 1-based): chr10:125,853,999, C>T on the plus strand (G>A on the coding strand, the complement: DHX32 is on the minus strand). VCF-style: chr10-125853999-C-T. GRCh37 (hg19) VCF-style: chr10-127542568-C-T.
Other names: short protein forms V352I.
Identifiers: ClinVar variation 1460491 (VCV001460491.6), dbSNP rs537558196, ClinGen allele CA215347736.